The following is an entry in ClinVar:

NM_001164508.2(NEB):c.9102C>A (p.Asp3034Glu)

Gene: NEB (nebulin; minus strand). Cytogenetic location: 2q23.3.
Variant type: single nucleotide variant.
Coding change: c.9102C>A on transcript NM_001164508.2 (MANE Select); coding-DNA position 9102, C replaced by A.
Protein change: p.Asp3034Glu; replaces aspartic acid 3034 with glutamic acid.
Molecular consequence: missense variant. On other transcripts: intron variant (1).
Genome position (GRCh38, 1-based): chr2:151,636,227, G>T on the plus strand (C>A on the coding strand, the complement: NEB is on the minus strand). VCF-style: chr2-151636227-G-T. GRCh37 (hg19) VCF-style: chr2-152492741-G-T.
Other names: c.9102C>A, p.Asp3034Glu (NM_001164507.2, NM_001271208.2); c.8853+3666C>A (NM_004543.5); short protein forms D3034E.
Identifiers: ClinVar variation 2039858 (VCV002039858.7), dbSNP rs760359781, ClinGen allele CA348805117.

ClinVar aggregate classification (germline): Uncertain significance. Review status: criteria provided, multiple submitters, no conflicts (2 of 4 stars). 2 submissions from 2 submitters: Uncertain significance (2). Last evaluated 2022-09-20.

Conditions:
Nemaline myopathy 2 (NEM2). Also called: Nemaline myopathy 2, autosomal recessive. Identifiers: MedGen C1850569, MONDO:0009725, OMIM 256030.

gnomAD v4.1: 5 of 1,605,856 alleles (0.00031%); highest among the groups gnomAD compares: Non-Finnish European, 0.00042%; no homozygotes.

Submissions (2):

Revvity Omics, Revvity
Classification: Uncertain significance. Last evaluated: 2022-09-20. Review status: criteria provided, single submitter. Criteria: ACMG Guidelines, 2015. Collection method: clinical testing. Allele origin: germline.

Labcorp Genetics (formerly Invitae), Labcorp
Classification: Uncertain significance for Nemaline myopathy 2. Last evaluated: 2022-07-14. Review status: criteria provided, single submitter. Criteria: Invitae Variant Classification Sherloc (09022015). Collection method: clinical testing. Allele origin: germline.
Comment: In summary, the available evidence is currently insufficient to determine the role of this variant in disease. Therefore, it has been classified as a Variant of Uncertain Significance. Algorithms developed to predict the effect of missense changes on protein structure and function are either unavailable or do not agree on the potential impact of this missense change (SIFT: "Deleterious"; PolyPhen-2: "Not Available"; Align-GVGD: "Class C0"). This variant has not been reported in the literature in individuals affected with NEB-related conditions. This variant is not present in population databases (gnomAD no frequency). This sequence change replaces aspartic acid, which is acidic and polar, with glutamic acid, which is acidic and polar, at codon 3034 of the NEB protein (p.Asp3034Glu).